The following is an entry in ClinVar:

ClinVar aggregate classification (germline): Uncertain significance (1 of 4 stars; one submission).

Submission:

Dasa
Classification: Uncertain significance. Last evaluated: 2026-04-22. Review status: criteria provided, single submitter. Criteria: DASA Assertion Criteria. Collection method: clinical testing. Allele origin: germline.
Comment: NM_015474.4(SAMHD1):c.661T>C (p.Phe221Leu) is a missense variant that results in the substitution of phenylalanine with leucine. This variant is rare in population databases. Computational prediction algorithms are consistent with a deleterious effect. The currently available literature and clinical evidence are not sufficient to establish a definitive association between this variant and the reported condition. Therefore, this variant is classified as a variant of uncertain significance.

NM_015474.4(SAMHD1):c.661T>C (p.Phe221Leu)

Gene: SAMHD1 (SAM and HD domain containing deoxynucleoside triphosphate triphosphohydrolase 1; minus strand). Cytogenetic location: 20q11.23.
Variant type: single nucleotide variant.
Coding change: c.661T>C on transcript NM_015474.4 (MANE Select); coding-DNA position 661, T replaced by C.
Protein change: p.Phe221Leu; replaces phenylalanine 221 with leucine.
Molecular consequence: missense variant.
Genome position (GRCh38, 1-based): chr20:36,927,217, A>G on the plus strand (T>C on the coding strand, the complement: SAMHD1 is on the minus strand). VCF-style: chr20-36927217-A-G. GRCh37 (hg19) VCF-style: chr20-35555620-A-G.
Other names: c.661T>C, p.Phe221Leu (NM_001363729.2, NM_001363733.2); short protein forms F221L.
Identifiers: ClinVar variation 4886188 (VCV004886188.2).